The following is an entry in ClinVar:

NM_000379.4(XDH):c.2582A>G (p.Glu861Gly)

Gene: XDH (xanthine dehydrogenase; minus strand). Cytogenetic location: 2p23.1.
Variant type: single nucleotide variant.
Coding change: c.2582A>G on transcript NM_000379.4 (MANE Select); coding-DNA position 2582, A replaced by G.
Protein change: p.Glu861Gly; replaces glutamic acid 861 with glycine.
Molecular consequence: missense variant.
Genome position (GRCh38, 1-based): chr2:31,364,207, T>C on the plus strand (A>G on the coding strand, the complement: XDH is on the minus strand). VCF-style: chr2-31364207-T-C. GRCh37 (hg19) VCF-style: chr2-31587073-T-C.
Other names: short protein forms E861G.
Identifiers: ClinVar variation 2161015 (VCV002161015.1), dbSNP rs778916437, ClinGen allele CA1598751.
Genomic context (GRCh38, chr2:31,364,207, plus strand): 5'-GTCCTACTCACACTCTGAGAGAGATCCTGGGTGTTCCCCACATTGCTGAAGTGGTCCACC[T>C]CAAGAGCCACAACTGTCCCAGTCTTCATGAAGCCAACCTGATAAAAGGAGAAAGGAGAGG-3'
Protein context (NP_000370.2, residues 851-871): FMKTGTVVAL[Glu861Gly]VDHFSNVGNT

ClinVar aggregate classification (germline): Uncertain significance (1 of 4 stars; one submission).

Conditions:
Xanthinuria type II. Also called: Xanthine dehydrogenase and aldehyde oxidase combined deficiency of; XDH and AOX dual deficiency. Identifiers: Orphanet 3467, Orphanet 93602, MedGen C1863688, MONDO:0011346, OMIM 603592.

Allele frequency attached by ClinVar (database versions not stated): gnomAD 0.00001; ExAC 0.00002; TOPMed 0.00002; gnomAD exomes 0.00014.
gnomAD v4.1: 194 of 1,613,930 alleles (0.012%); highest among the groups gnomAD compares: Non-Finnish European, 0.016%; no homozygotes.

Submission:

Labcorp Genetics (formerly Invitae), Labcorp
Classification: Uncertain significance for Xanthinuria type II. Last evaluated: 2021-12-14. Review status: criteria provided, single submitter. Criteria: Invitae Variant Classification Sherloc (09022015). Collection method: clinical testing. Allele origin: germline.
Comment: This sequence change replaces glutamic acid, which is acidic and polar, with glycine, which is neutral and non-polar, at codon 861 of the XDH protein (p.Glu861Gly). This variant is present in population databases (rs778916437, gnomAD 0.006%). This variant has not been reported in the literature in individuals affected with XDH-related conditions. Algorithms developed to predict the effect of missense changes on protein structure and function are either unavailable or do not agree on the potential impact of this missense change (SIFT: "Deleterious"; PolyPhen-2: "Possibly Damaging"; Align-GVGD: "Class C0"). In summary, the available evidence is currently insufficient to determine the role of this variant in disease. Therefore, it has been classified as a Variant of Uncertain Significance.